The following is an entry in ClinVar:

NM_001190274.2(FBXO11):c.183_191dup (p.Pro66_Leu67insProProPro)

Gene: FBXO11 (F-box protein 11; minus strand). Cytogenetic location: 2p16.3.
Variant type: Duplication.
Coding change: c.183_191dup on transcript NM_001190274.2 (MANE Select); coding-DNA positions 183 to 191, 9 bases duplicated (ACCGCCGCC; older notation c.183_191dupACCGCCGCC).
Protein change: p.Pro66_Leu67insProProPro.
Genome position (GRCh38, 1-based): chr2:47,905,530-47,905,538, GGCGGCGGT duplicated on the plus strand (ACCGCCGCC on the coding strand, the reverse complement: FBXO11 is on the minus strand); duplicating any 9 consecutive bases within chr2:47,905,530-47,905,546 gives the same sequence; the c. name uses the placement nearest the transcript's 3' end. VCF-style (leftmost placement, unchanged base first): chr2-47905529-A-AGGCGGCGGT. GRCh37 (hg19) VCF-style: chr2-48132668-A-AGGCGGCGGT.
Identifiers: ClinVar variation 2650890 (VCV002650890.26), dbSNP rs764506114, ClinGen allele CA1650233.

ClinVar aggregate classification (germline): Conflicting classifications of pathogenicity. Review status: criteria provided, conflicting classifications (1 of 4 stars). 3 submissions from 3 submitters: Uncertain significance (2); Likely benign (1). Last evaluated 2023-07-10.

Submissions (3):

Labcorp Genetics (formerly Invitae), Labcorp
Classification: Likely benign. Last evaluated: 2023-07-10. Review status: criteria provided, single submitter. Criteria: Invitae Variant Classification Sherloc (09022015). Collection method: clinical testing. Allele origin: germline.

CeGaT Center for Human Genetics Tuebingen
Classification: Uncertain significance. Last evaluated: 2022-03-01. Review status: criteria provided, single submitter. Criteria: CeGaT Center For Human Genetics Tuebingen Variant Classification Criteria Version 2. Collection method: clinical testing. Allele origin: germline. Affected: yes. Observed: 1 variant allele.
Comment: FBXO11: PM2

Blueprint Genetics
Classification: Uncertain significance. Last evaluated: 2021-06-07. Review status: criteria provided, single submitter. Criteria: ACMG Guidelines, 2015. Collection method: clinical testing. Allele origin: germline.